The following is an entry in ClinVar:

NM_001278716.2(FBXL4):c.526T>C (p.Trp176Arg)

Gene: FBXL4 (F-box and leucine rich repeat protein 4; minus strand). Cytogenetic location: 6q16.2.
Variant type: single nucleotide variant.
Coding change: c.526T>C on transcript NM_001278716.2 (MANE Select); coding-DNA position 526, T replaced by C.
Protein change: p.Trp176Arg; replaces tryptophan 176 with arginine.
Molecular consequence: missense variant.
Genome position (GRCh38, 1-based): chr6:98,917,706, A>G on the plus strand (T>C on the coding strand, the complement: FBXL4 is on the minus strand). VCF-style: chr6-98917706-A-G. GRCh37 (hg19) VCF-style: chr6-99365582-A-G.
Other names: c.526T>C, p.Trp176Arg (NM_012160.5); c.526T>C (NM_012160.3); short protein forms W176R.
Identifiers: ClinVar variation 437589 (VCV000437589.7), dbSNP rs201149065, ClinGen allele CA3933665.

ClinVar aggregate classification (germline): Uncertain significance. Review status: criteria provided, multiple submitters, no conflicts (2 of 4 stars). 3 submissions from 3 submitters: Uncertain significance (3). Last evaluated 2024-01-18.

Conditions:
Mitochondrial DNA depletion syndrome 13. Also called: FBXL4-Related Encephalomyopathic Mitochondrial DNA Depletion Syndrome; Mitochondrial DNA depletion syndrome 13 (encephalomyopathic type). Identifiers: Orphanet 369897, MedGen C3809592, MONDO:0014198, OMIM 615471.

Allele frequency attached by ClinVar (database versions not stated): 1000 Genomes Project 0.00020; gnomAD 0.00003 and 0.00004; TOPMed 0.00004; gnomAD exomes 0.00005 and 0.00008; ExAC 0.00006; ESP Exome Variant Server 0.00008; 1000 Genomes Project 30x 0.00016.
gnomAD v4.1: 118 of 1,597,108 alleles (0.0074%); highest among the groups gnomAD compares: Non-Finnish European, 0.0098%; no homozygotes.

Submissions (3):

GeneDx
Classification: Uncertain significance. Last evaluated: 2024-01-18. Review status: criteria provided, single submitter. Criteria: GeneDx Variant Classification Process June 2021. Collection method: clinical testing. Allele origin: germline. Affected: yes.
Comment: Not observed at significant frequency in large population cohorts (gnomAD); In silico analysis supports that this missense variant has a deleterious effect on protein structure/function; Has not been previously published as pathogenic or benign to our knowledge

Labcorp Genetics (formerly Invitae), Labcorp
Classification: Uncertain significance. Last evaluated: 2022-08-22. Review status: criteria provided, single submitter. Criteria: Invitae Variant Classification Sherloc (09022015). Collection method: clinical testing. Allele origin: germline.
Comment: This sequence change replaces tryptophan, which is neutral and slightly polar, with arginine, which is basic and polar, at codon 176 of the FBXL4 protein (p.Trp176Arg). This variant is present in population databases (rs201149065, gnomAD 0.01%). This variant has not been reported in the literature in individuals affected with FBXL4-related conditions. ClinVar contains an entry for this variant (Variation ID: 437589). Advanced modeling of protein sequence and biophysical properties (such as structural, functional, and spatial information, amino acid conservation, physicochemical variation, residue mobility, and thermodynamic stability) performed at Invitae indicates that this missense variant is expected to disrupt FBXL4 protein function. In summary, the available evidence is currently insufficient to determine the role of this variant in disease. Therefore, it has been classified as a Variant of Uncertain Significance.

Wong Mito Lab, Molecular and Human Genetics, Baylor College of Medicine
Classification: Uncertain significance for Mitochondrial DNA depletion syndrome 13. Last evaluated: 2017-08-10. Review status: criteria provided, single submitter. Criteria: ACMG Guidelines, 2015. Collection method: reference population. Allele origin: germline.
Comment: The NM_012160.4:c.526T>C (NP_036292.2:p.Trp176Arg) [GRCH38: NC_000006.12:g.98917706A>G] variant in FBXL4 gene is interpretated to be a Uncertain Significance - Insufficient Evidence based on ACMG guidelines (PMID: 25741868). This variant meets one or more of the following evidence codes reported in the ACMG-guideline. PM2:This variant is absent in key population databases. Based on this evidence code ClinGen Pathogenicity Calculator (PMID:28081714) suggested that the variant is Uncertain Significance - Insufficient Evidence.